The following is an entry in ClinVar:

ClinVar aggregate classification (germline): Uncertain significance (1 of 4 stars; one submission).

Conditions:
Hereditary cancer-predisposing syndrome. Also called: Neoplastic Syndromes, Hereditary; Tumor predisposition; Hereditary neoplastic syndrome; Hereditary Cancer Syndrome. Identifiers: Orphanet 140162, MedGen C0027672, MeSH D009386, MONDO:0015356.

Allele frequency attached by ClinVar (database versions not stated): gnomAD exomes below 0.00001.
gnomAD v4.1: 1 of 1,568,794 alleles (0.000064%); highest among the groups gnomAD compares: Non-Finnish European, 0.000088%; no homozygotes.

Submission:

Ambry Genetics
Classification: Uncertain significance for Hereditary cancer-predisposing syndrome. Last evaluated: 2023-09-21. Review status: criteria provided, single submitter. Criteria: Ambry Variant Classification Scheme 2023. Collection method: clinical testing. Allele origin: germline.
Comment: The c.456+3G>C intronic variant results from a G to C substitution 3 nucleotides after coding exon 4 in the FANCC gene. This nucleotide position is well conserved in available vertebrate species. In silico splice site analysis predicts that this alteration will weaken the native splice donor site and may result in the creation or strengthening of a novel splice donor site. Since supporting evidence is limited at this time, the clinical significance of this alteration remains unclear.

NM_000136.3(FANCC):c.456+3G>C

Gene: FANCC (FA complementation group C; minus strand). Cytogenetic location: 9q22.32.
Variant type: single nucleotide variant.
Coding change: c.456+3G>C on transcript NM_000136.3 (MANE Select); 3 bases into the intron after coding-DNA position 456, G replaced by C.
Molecular consequence: intron variant.
Genome position (GRCh38, 1-based): chr9:95,172,034, C>G on the plus strand (G>C on the coding strand, the complement: FANCC is on the minus strand). VCF-style: chr9-95172034-C-G. GRCh37 (hg19) VCF-style: chr9-97934316-C-G.
Other names: c.456+3G>C (NM_001243743.2, NM_001243744.2).
Identifiers: ClinVar variation 3230381 (VCV003230381.1), dbSNP rs2541948044, ClinGen allele CA2690792223.